The following is an entry in ClinVar:

NM_001376.5(DYNC1H1):c.6858-7C>T

Gene: DYNC1H1 (dynein cytoplasmic 1 heavy chain 1; plus strand). Cytogenetic location: 14q32.31.
Variant type: single nucleotide variant.
Coding change: c.6858-7C>T on transcript NM_001376.5 (MANE Select); 7 bases into the intron before coding-DNA position 6858, C replaced by T.
Molecular consequence: intron variant.
Genome position (GRCh38, 1-based): chr14:102,012,307, C>T. VCF-style: chr14-102012307-C-T. GRCh37 (hg19) VCF-style: chr14-102478644-C-T.
Identifiers: ClinVar variation 4084935 (VCV004084935.8).

ClinVar aggregate classification (germline): Uncertain significance (1 of 4 stars; one submission).

gnomAD v4.1: 1 of 1,614,158 alleles (0.000062%); highest among the groups gnomAD compares: Non-Finnish European, 0.000085%; no homozygotes.

Submission:

CeGaT Center for Human Genetics Tuebingen
Classification: Uncertain significance. Last evaluated: 2025-08-01. Review status: criteria provided, single submitter. Criteria: CeGaT Center For Human Genetics Tuebingen Variant Classification Criteria Version 2. Collection method: clinical testing. Allele origin: germline. Affected: yes. Observed: 1 variant allele.
Comment: DYNC1H1: PM2, BP4